The following is an entry in ClinVar:

ClinVar aggregate classification (germline): Uncertain significance (1 of 4 stars; one submission).

Allele frequency attached by ClinVar (database versions not stated): gnomAD exomes 0.00001; TOPMed 0.00002.

Submission:

Labcorp Genetics (formerly Invitae), Labcorp
Classification: Uncertain significance. Last evaluated: 2023-12-06. Review status: criteria provided, single submitter. Criteria: Invitae Variant Classification Sherloc (09022015). Collection method: clinical testing. Allele origin: germline.
Comment: This sequence change affects codon 134 of the NOG mRNA. It is a 'silent' change, meaning that it does not change the encoded amino acid sequence of the NOG protein. This variant is present in population databases (no rsID available, gnomAD 0.006%). This variant has not been reported in the literature in individuals affected with NOG-related conditions. In summary, the available evidence is currently insufficient to determine the role of this variant in disease. Therefore, it has been classified as a Variant of Uncertain Significance.

NM_005450.6(NOG):c.402G>A (p.Lys134=)

Gene: NOG (noggin; plus strand). Cytogenetic location: 17q22.
Variant type: single nucleotide variant.
Coding change: c.402G>A on transcript NM_005450.6 (MANE Select); coding-DNA position 402, G replaced by A.
Protein change: p.Lys134=; no amino-acid change (lysine 134 retained).
Molecular consequence: synonymous variant.
Genome position (GRCh38, 1-based): chr17:56,594,625, G>A. VCF-style: chr17-56594625-G-A. GRCh37 (hg19) VCF-style: chr17-54671986-G-A.
Identifiers: ClinVar variation 2906869 (VCV002906869.3), dbSNP rs906481751, ClinGen allele CA292532900.